The following is an entry in ClinVar:

ClinVar aggregate classification (germline): Uncertain significance (1 of 4 stars; one submission).

Submission:

GeneDx
Classification: Uncertain significance. Last evaluated: 2025-06-12. Review status: criteria provided, single submitter. Criteria: GeneDx Variant Classification Process June 2021. Collection method: clinical testing. Allele origin: germline. Affected: yes.
Comment: Not observed at significant frequency in large population cohorts (gnomAD); In silico analysis supports that this missense variant has a deleterious effect on protein structure/function; Has not been previously published as pathogenic or benign to our knowledge

NM_001080421.3(UNC13A):c.3440C>T (p.Pro1147Leu)

Gene: UNC13A (unc-13 homolog A; minus strand). Cytogenetic location: 19p13.11.
Variant type: single nucleotide variant.
Coding change: c.3440C>T on transcript NM_001080421.3 (MANE Select); coding-DNA position 3440, C replaced by T.
Protein change: p.Pro1147Leu; replaces proline 1147 with leucine.
Molecular consequence: missense variant.
Genome position (GRCh38, 1-based): chr19:17,630,739, G>A on the plus strand (C>T on the coding strand, the complement: UNC13A is on the minus strand). VCF-style: chr19-17630739-G-A. GRCh37 (hg19) VCF-style: chr19-17741548-G-A.
Other names: c.3434C>T, p.Pro1145Leu (NM_001387021.1, NM_001387022.1, NM_001387023.1); short protein forms P1145L, P1147L.
Identifiers: ClinVar variation 4537782 (VCV004537782.1).